The following is an entry in ClinVar:

NM_000095.3(COMP):c.235C>A (p.Arg79Ser)

Gene: COMP (cartilage oligomeric matrix protein; minus strand). Cytogenetic location: 19p13.11.
Variant type: single nucleotide variant.
Coding change: c.235C>A on transcript NM_000095.3 (MANE Select); coding-DNA position 235, C replaced by A.
Protein change: p.Arg79Ser; replaces arginine 79 with serine.
Molecular consequence: missense variant.
Genome position (GRCh38, 1-based): chr19:18,790,097, G>T on the plus strand (C>A on the coding strand, the complement: COMP is on the minus strand). VCF-style: chr19-18790097-G-T. GRCh37 (hg19) VCF-style: chr19-18900906-G-T.
Other names: short protein forms R79S.
Identifiers: ClinVar variation 890264 (VCV000890264.5), dbSNP rs768907479, ClinGen allele CA9316782.

ClinVar aggregate classification (germline): Uncertain significance. Review status: criteria provided, multiple submitters, no conflicts (2 of 4 stars). 3 submissions from 2 submitters: Uncertain significance (3). Last evaluated 2025-11-01.

Conditions:
Multiple epiphyseal dysplasia type 1. Also called: COMP-Related Multiple Epiphyseal Dysplasia. Identifiers: Orphanet 93308, MedGen C1838280, MONDO:0007561, OMIM 132400.
Pseudoachondroplastic spondyloepiphyseal dysplasia syndrome (PSACH). Also called: PSEUDOACHONDROPLASTIC DYSPLASIA; Pseudoachondroplasia; COMP-Related Pseudoachondroplasia. Identifiers: Orphanet 750, MedGen C0410538, MONDO:0008322, OMIM 177170.

Allele frequency attached by ClinVar (database versions not stated): gnomAD 0.00001; gnomAD exomes 0.00002; TOPMed 0.00003; ExAC 0.00009.
gnomAD v4.1: 123 of 1,537,652 alleles (0.008%); highest among the groups gnomAD compares: Non-Finnish European, 0.01%; no homozygotes.

Submissions (3):

Labcorp Genetics (formerly Invitae), Labcorp
Classification: Uncertain significance. Last evaluated: 2025-11-01. Review status: criteria provided, single submitter. Criteria: Invitae Variant Classification Sherloc (09022015). Collection method: clinical testing. Allele origin: germline.
Comment: This sequence change replaces arginine, which is basic and polar, with serine, which is neutral and polar, at codon 79 of the COMP protein (p.Arg79Ser). The frequency data for this variant in the population databases is considered unreliable, as metrics indicate poor data quality at this position in the gnomAD database. This variant has not been reported in the literature in individuals affected with COMP-related conditions. ClinVar contains an entry for this variant (Variation ID: 890264). An algorithm developed to predict the effect of missense changes on protein structure and function outputs the following: PolyPhen-2: "Benign". The serine amino acid residue is found in multiple mammalian species, which suggests that this missense change does not adversely affect protein function. In summary, the available evidence is currently insufficient to determine the role of this variant in disease. Therefore, it has been classified as a Variant of Uncertain Significance.

Illumina Laboratory Services, Illumina
Classification: Uncertain significance for Multiple epiphyseal dysplasia type 1. Last evaluated: 2018-01-13. Review status: criteria provided, single submitter. Criteria: ICSL Variant Classification Criteria 13 December 2019. Collection method: clinical testing. Allele origin: germline.

Illumina Laboratory Services, Illumina
Classification: Uncertain significance for Pseudoachondroplastic spondyloepiphyseal dysplasia syndrome. Last evaluated: 2018-01-13. Review status: criteria provided, single submitter. Criteria: ICSL Variant Classification Criteria 13 December 2019. Collection method: clinical testing. Allele origin: germline.